The following is an entry in ClinVar:

ClinVar aggregate classification (germline): Uncertain significance. Review status: criteria provided, multiple submitters, no conflicts (2 of 4 stars). 4 submissions from 3 submitters: Uncertain significance (4). Last evaluated 2021-09-01.

Conditions:
Transitory neonatal diabetes mellitus. Also called: Transient neonatal diabetes mellitus. Identifiers: MedGen C0342273, MONDO:0020525, HP:0008255.
Maturity-onset diabetes of the young (MODY). Also called: Maturity onset diabetes mellitus in young. Identifiers: Orphanet 552, MedGen C0342276, MONDO:0018911, HP:0004904.

gnomAD v4.1: 5 of 1,614,098 alleles (0.00031%); highest among the groups gnomAD compares: South Asian, 0.0011%; no homozygotes.

Submissions (4):

AiLife Diagnostics
Classification: Uncertain significance. Last evaluated: 2021-09-01. Review status: criteria provided, single submitter. Criteria: ACMG Guidelines, 2015. Collection method: clinical testing. Allele origin: germline. Affected: yes. Observed: 1 variant allele.

Genetic Services Laboratory, University of Chicago
Classification: Uncertain significance. Last evaluated: 2014-11-18. Review status: criteria provided, single submitter. Criteria: ACMG Guidelines, 2015. Collection method: clinical testing. Allele origin: germline.

Clinical Genomics, Uppaluri K&H Personalized Medicine Clinic
Classification: Uncertain significance for Maturity-onset diabetes of the young. Review status: criteria provided, single submitter. Criteria: K & H Uppaluri Personalized Medicine Clinic Variant Classification & Assertion Criteria_Updated V.1. Collection method: research. Allele origin: unknown. Inheritance: Somatic mutation.
Comment: Mutations in ABCC8 gene are associated with both neonatal diabetes mellitus as well as MODY. Patients with this mutation may have a better response to sulfonylureas. However, no sufficient evidence is found to ascertain the role of this particular variant ( rs372930264) in MODY yet.

Clinical Genomics, Uppaluri K&H Personalized Medicine Clinic
Classification: Uncertain significance for Transitory neonatal diabetes mellitus. Review status: criteria provided, single submitter. Criteria: K & H Uppaluri Personalized Medicine Clinic Variant Classification & Assertion Criteria_Updated V.1. Collection method: research. Allele origin: unknown.
Comment: Mutations in ABCC8 gene are associated with both neonatal diabetes mellitus as well as MODY. Patients with this mutation may have a better response to sulfonylureas. However, no sufficient evidence is found to ascertain the role of this particular variant ( rs372930264) in neonatal diabetes yet.

Literature cited by the submitters: PubMed 16885549 (cited by Clinical Genomics, Uppaluri K&H Personalized Medicine Clinic); PubMed 21989597 (cited by Clinical Genomics, Uppaluri K&H Personalized Medicine Clinic); PubMed 27538677 (cited by Clinical Genomics, Uppaluri K&H Personalized Medicine Clinic); PubMed 18981553 (cited by Clinical Genomics, Uppaluri K&H Personalized Medicine Clinic); PubMed 32027066 (cited by Clinical Genomics, Uppaluri K&H Personalized Medicine Clinic); PubMed 16613899 (cited by Clinical Genomics, Uppaluri K&H Personalized Medicine Clinic); PubMed 18025408 (cited by Clinical Genomics, Uppaluri K&H Personalized Medicine Clinic); PubMed 32792356 (cited by Clinical Genomics, Uppaluri K&H Personalized Medicine Clinic).

NM_000352.6(ABCC8):c.806C>T (p.Ala269Val)

Gene: ABCC8 (ATP binding cassette subfamily C member 8; minus strand). Cytogenetic location: 11p15.1.
Variant type: single nucleotide variant.
Coding change: c.806C>T on transcript NM_000352.6 (MANE Select); coding-DNA position 806, C replaced by T.
Protein change: p.Ala269Val; replaces alanine 269 with valine.
Molecular consequence: missense variant. On other transcripts: non-coding transcript variant (1).
Genome position (GRCh38, 1-based): chr11:17,461,599, G>A on the plus strand (C>T on the coding strand, the complement: ABCC8 is on the minus strand). VCF-style: chr11-17461599-G-A. GRCh37 (hg19) VCF-style: chr11-17483146-G-A.
Other names: c.806C>T, p.Ala269Val (NM_001287174.3, NM_001351295.2, NM_001351296.2 and 1 more transcripts); short protein forms A269V.
Identifiers: ClinVar variation 210083 (VCV000210083.9), dbSNP rs372930264, ClinGen allele CA206426.